The following is an entry in ClinVar:

ClinVar aggregate classification (germline): Uncertain significance (1 of 4 stars; one submission).

Conditions:
Acyl-CoA oxidase deficiency. Also called: STRAIGHT-CHAIN ACYL-CoA OXIDASE DEFICIENCY; Pseudoneonatal adrenoleukodystrophy; Peroxisomal acyl-CoA oxidase deficiency. Identifiers: Orphanet 2971, MedGen C1849678, MONDO:0009919, OMIM 264470. Disease mechanism: loss of function.

Submission:

Labcorp Genetics (formerly Invitae), Labcorp
Classification: Uncertain significance for Acyl-CoA oxidase deficiency. Last evaluated: 2021-12-02. Review status: criteria provided, single submitter. Criteria: Invitae Variant Classification Sherloc (09022015). Collection method: clinical testing. Allele origin: germline.
Comment: This sequence change affects codon 576 of the ACOX1 mRNA. It is a 'silent' change, meaning that it does not change the encoded amino acid sequence of the ACOX1 protein. This variant also falls at the last nucleotide of exon 12, which is part of the consensus splice site for this exon. This variant is not present in population databases (gnomAD no frequency). This variant has not been reported in the literature in individuals affected with ACOX1-related conditions. Algorithms developed to predict the effect of missense changes on protein structure and function are either unavailable or do not agree on the potential impact of this missense change (SIFT: "Tolerated"; PolyPhen-2: "Possibly Damaging"; Align-GVGD: "Class C0"). Variants that disrupt the consensus splice site are a relatively common cause of aberrant splicing (PMID: 17576681, 9536098). Algorithms developed to predict the effect of sequence changes on RNA splicing suggest that this variant may disrupt the consensus splice site. In summary, the available evidence is currently insufficient to determine the role of this variant in disease. Therefore, it has been classified as a Variant of Uncertain Significance.

Literature cited by the submitters: PubMed 17576681; PubMed 9536098.

NM_004035.7(ACOX1):c.1728G>C (p.Gln576His)

Gene: ACOX1 (acyl-CoA oxidase 1; minus strand). Cytogenetic location: 17q25.1.
Variant type: single nucleotide variant.
Coding change: c.1728G>C on transcript NM_004035.7 (MANE Select); coding-DNA position 1728, G replaced by C.
Protein change: p.Gln576His; replaces glutamine 576 with histidine.
Molecular consequence: missense variant.
Genome position (GRCh38, 1-based): chr17:75,949,217, C>G on the plus strand (G>C on the coding strand, the complement: ACOX1 is on the minus strand). VCF-style: chr17-75949217-C-G. GRCh37 (hg19) VCF-style: chr17-73945298-C-G.
Other names: c.1614G>C, p.Gln538His (NM_001185039.2); c.1728G>C, p.Gln576His (NM_007292.6); short protein forms Q538H, Q576H.
Identifiers: ClinVar variation 1365320 (VCV001365320.6), dbSNP rs2144235359, ClinGen allele CA401059694.